The following is an entry in ClinVar:

ClinVar aggregate classification (germline): Likely benign (1 of 4 stars; one submission).

Submission:

CeGaT Center for Human Genetics Tuebingen
Classification: Likely benign. Last evaluated: 2025-10-01. Review status: criteria provided, single submitter. Criteria: CeGaT Center For Human Genetics Tuebingen Variant Classification Criteria Version 2. Collection method: clinical testing. Allele origin: germline. Affected: yes. Observed: 1 variant allele.
Comment: RASA4B: BP4, BP7

NM_001367767.2(RASA4B):c.1896C>T (p.Gly632=)

Gene: RASA4B (RAS p21 protein activator 4B; minus strand). Cytogenetic location: 7q22.1.
Variant type: single nucleotide variant.
Coding change: c.1896C>T on transcript NM_001367767.2 (MANE Select); coding-DNA position 1896, C replaced by T.
Protein change: p.Gly632=; no amino-acid change (glycine 632 retained).
Molecular consequence: synonymous variant. On other transcripts: intron variant (1).
Genome position (GRCh38, 1-based): chr7:102,491,058, G>A on the plus strand (C>T on the coding strand, the complement: RASA4B is on the minus strand). VCF-style: chr7-102491058-G-A. GRCh37 (hg19) VCF-style: chr7-102131505-G-A.
Other names: c.1830+2058C>T (NM_001277335.2).
Identifiers: ClinVar variation 4533885 (VCV004533885.6).